The following is an entry in ClinVar:

ClinVar aggregate classification (germline): Uncertain significance. Review status: criteria provided, multiple submitters, no conflicts (2 of 4 stars). 5 submissions from 5 submitters: Uncertain significance (5). Last evaluated 2026-01-28.

Conditions:
Hereditary cancer-predisposing syndrome. Also called: Hereditary neoplastic syndrome; Hereditary Cancer Syndrome; Neoplastic Syndromes, Hereditary; Tumor predisposition. Identifiers: Orphanet 140162, MedGen C0027672, MeSH D009386, MONDO:0015356.
Breast-ovarian cancer, familial, susceptibility to, 2 (BROVCA2). Also called: BRCA2 Hereditary Breast and Ovarian Cancer. Identifiers: Orphanet 145, MedGen C2675520, MONDO:0012933, OMIM 612555. Disease mechanism: loss of function.
Hereditary breast ovarian cancer syndrome. Also called: Hereditary breast and ovarian cancer syndrome; BRCA1- and BRCA2-Associated Hereditary Breast and Ovarian Cancer; Hereditary breast and/or ovarian cancer syndrome; Hereditary breast and ovarian cancer; Breast and ovarian cancer; Hereditary breast and ovarian cancer syndrome (HBOC). Identifiers: Orphanet 145, MedGen C0677776, MeSH D061325, MONDO:0003582. Disease mechanism: loss of function.

Allele frequency attached by ClinVar (database versions not stated): gnomAD exomes 0.00001.
gnomAD v4.1: 7 of 1,613,902 alleles (0.00043%); highest among the groups gnomAD compares: Middle Eastern, 0.033%; no homozygotes.

Submissions (5):

Labcorp Genetics (formerly Invitae), Labcorp
Classification: Uncertain significance for Hereditary breast ovarian cancer syndrome. Last evaluated: 2026-01-28. Review status: criteria provided, single submitter. Criteria: Invitae Variant Classification Sherloc (09022015). Collection method: clinical testing. Allele origin: germline.
Comment: This sequence change replaces glycine, which is neutral and non-polar, with serine, which is neutral and polar, at codon 3210 of the BRCA2 protein (p.Gly3210Ser). This variant is not present in population databases (gnomAD no frequency). This missense change has been observed in individual(s) with breast cancer (PMID: 25777348). ClinVar contains an entry for this variant (Variation ID: 420462). Invitae Evidence Modeling of protein sequence and biophysical properties (such as structural, functional, and spatial information, amino acid conservation, physicochemical variation, residue mobility, and thermodynamic stability) indicates that this missense variant is not expected to disrupt BRCA2 protein function with a negative predictive value of 95%. In summary, the available evidence is currently insufficient to determine the role of this variant in disease. Therefore, it has been classified as a Variant of Uncertain Significance.

All of Us Research Program, National Institutes of Health
Classification: Uncertain significance for Breast-ovarian cancer, familial, susceptibility to, 2. Last evaluated: 2023-10-23. Review status: criteria provided, single submitter. Criteria: ACMG Guidelines, 2015. Collection method: clinical testing. Allele origin: germline. Inheritance: Autosomal dominant inheritance. Observed: 1 variant allele, 1 heterozygote.
Comment: This missense variant replaces glycine with serine at codon 3210 of the BRCA2 protein. Computational prediction suggests that this variant may not impact protein structure and function (internally defined REVEL score threshold <= 0.5, PMID: 27666373). To our knowledge, functional studies have not been reported for this variant. This variant has been reported in an individual affected with breast cancer (PMID: 25777348). This variant has been reported in several large case-control studies, showing inconclusive association with breast, pancreatic, colorectal, and prostate cancer (PMID: 30287823, 31214711, 32980694, 33309985, 33471991). This variant has not been identified in the general population by the Genome Aggregation Database (gnomAD). The available evidence is insufficient to determine the role of this variant in disease conclusively. Therefore, this variant is classified as a Variant of Uncertain Significance.

This study involves interpretation of variants in research participants for the purpose of population health screening. Participant phenotype was not available at the time of variant classification. Additional details can be found in publication PMID: 35346344, PMCID: PMC8962531

Color Diagnostics, LLC DBA Color Health
Classification: Uncertain significance for Hereditary cancer-predisposing syndrome. Last evaluated: 2023-09-28. Review status: criteria provided, single submitter. Criteria: ACMG Guidelines, 2015. Collection method: clinical testing. Allele origin: germline.
Comment: This missense variant replaces glycine with serine at codon 3210 of the BRCA2 protein. Computational prediction suggests that this variant may not impact protein structure and function (internally defined REVEL score threshold <= 0.5, PMID: 27666373). To our knowledge, functional studies have not been reported for this variant. This variant has been reported in an individual affected with breast cancer (PMID: 25777348). This variant has been reported in several large case-control studies, showing inconclusive association with breast, pancreatic, colorectal, and prostate cancer (PMID: 30287823, 31214711, 32980694, 33309985, 33471991). This variant has not been identified in the general population by the Genome Aggregation Database (gnomAD). The available evidence is insufficient to determine the role of this variant in disease conclusively. Therefore, this variant is classified as a Variant of Uncertain Significance.

Ambry Genetics
Classification: Uncertain significance for Hereditary cancer-predisposing syndrome. Last evaluated: 2022-03-30. Review status: criteria provided, single submitter. Criteria: Ambry Variant Classification Scheme 2023. Collection method: clinical testing. Allele origin: germline.
Comment: The p.G3210S variant (also known as c.9628G>A), located in coding exon 25 of the BRCA2 gene, results from a G to A substitution at nucleotide position 9628. The glycine at codon 3210 is replaced by serine, an amino acid with similar properties. This amino acid position is not well conserved in available vertebrate species. In addition, this alteration is predicted to be tolerated by in silico analysis. Since supporting evidence is limited at this time, the clinical significance of this alteration remains unclear.

GeneDx
Classification: Uncertain significance. Last evaluated: 2016-11-25. Review status: criteria provided, single submitter. Criteria: GeneDx Variant Classification (06012015). Collection method: clinical testing. Allele origin: germline. Affected: yes.
Comment: This variant is denoted BRCA2 c.9628G>A at the cDNA level, p.Gly3210Ser (G3210S) at the protein level, and results in the change of a Glycine to a Serine (GGT>AGT). Using alternate nomenclature, this variant would be defined as/ has been previously published as BRCA2 9856G>A. BRCA2 Gly3210Ser was not observed in approximately 6,500 individuals of European and African American ancestry in the NHLBI Exome Sequencing Project, suggesting it is not a common benign variant in these populations. Since Glycine and Serine differ in polarity, charge, size or other properties, this is considered a non-conservative amino acid substitution. BRCA2 Gly3210Ser occurs at a position that is not conserved and is not located in a known functional domain. In silico analyses predict that this variant is unlikely to alter protein structure or function. Based on currently available evidence, it is unclear whether BRCA2 Gly3210Ser is a pathogenic or benign variant. We consider it to be a variant of uncertain significance.

Literature cited by the submitters: PubMed 25777348 (cited by 4 submitters); PubMed 30287823 (cited by All of Us Research Program, National Institutes of Health and Color Diagnostics, LLC DBA Color Health); PubMed 31214711 (cited by All of Us Research Program, National Institutes of Health and Color Diagnostics, LLC DBA Color Health); PubMed 32980694 (cited by All of Us Research Program, National Institutes of Health and Color Diagnostics, LLC DBA Color Health); PubMed 33309985 (cited by All of Us Research Program, National Institutes of Health and Color Diagnostics, LLC DBA Color Health); PubMed 33471991 (cited by All of Us Research Program, National Institutes of Health and Color Diagnostics, LLC DBA Color Health).

NM_000059.4(BRCA2):c.9628G>A (p.Gly3210Ser)

Gene: BRCA2 (BRCA2 DNA repair associated; plus strand). Cytogenetic location: 13q13.1.
Variant type: single nucleotide variant.
Coding change: c.9628G>A on transcript NM_000059.4 (MANE Select); coding-DNA position 9628, G replaced by A.
Protein change: p.Gly3210Ser; replaces glycine 3210 with serine.
Molecular consequence: missense variant.
Genome position (GRCh38, 1-based): chr13:32,397,024, G>A. VCF-style: chr13-32397024-G-A. GRCh37 (hg19) VCF-style: chr13-32971161-G-A.
Other names: short protein forms G3210S.
Identifiers: ClinVar variation 420462 (VCV000420462.26), dbSNP rs1064794491, ClinGen allele CA16619793.